The following is an entry in ClinVar:

ClinVar aggregate classification (germline): Uncertain significance (1 of 4 stars; one submission).

Conditions:
Sulfite oxidase deficiency due to molybdenum cofactor deficiency type A. Also called: Molybdenum Cofactor Deficiency A; Molybdenum cofactor deficiency, complementation group A. Identifiers: Orphanet 308386, Orphanet 833, MedGen C1854988, MONDO:0009643, OMIM 252150.

Submission:

Labcorp Genetics (formerly Invitae), Labcorp
Classification: Uncertain significance for Sulfite oxidase deficiency due to molybdenum cofactor deficiency type A. Last evaluated: 2021-12-15. Review status: criteria provided, single submitter. Criteria: Invitae Variant Classification Sherloc (09022015). Collection method: clinical testing. Allele origin: germline.
Comment: In summary, the available evidence is currently insufficient to determine the role of this variant in disease. Therefore, it has been classified as a Variant of Uncertain Significance. This sequence change replaces asparagine, which is neutral and polar, with tyrosine, which is neutral and polar, at codon 333 of the MOCS1 protein (p.Asn333Tyr). This variant is not present in population databases (gnomAD no frequency). This variant has not been reported in the literature in individuals affected with MOCS1-related conditions. Algorithms developed to predict the effect of missense changes on protein structure and function are either unavailable or do not agree on the potential impact of this missense change (SIFT: "Not Available"; PolyPhen-2: "Probably Damaging"; Align-GVGD: "Not Available").

NM_001358530.2(MOCS1):c.997A>T (p.Asn333Tyr)

Gene: MOCS1 (molybdenum cofactor synthesis 1; minus strand). Cytogenetic location: 6p21.2.
Variant type: single nucleotide variant.
Coding change: c.997A>T on transcript NM_001358530.2 (MANE Select); coding-DNA position 997, A replaced by T.
Protein change: p.Asn333Tyr; replaces asparagine 333 with tyrosine.
Molecular consequence: missense variant. On other transcripts: non-coding transcript variant (1).
Genome position (GRCh38, 1-based): chr6:39,909,940, T>A on the plus strand (A>T on the coding strand, the complement: MOCS1 is on the minus strand). VCF-style: chr6-39909940-T-A. GRCh37 (hg19) VCF-style: chr6-39877684-T-A.
Other names: c.997A>T, p.Asn333Tyr (NM_001075098.4, NM_001358529.2, NM_005943.6); c.736A>T, p.Asn246Tyr (NM_001358531.2, NM_001358533.2, NM_001358534.2); short protein forms N246Y, N333Y.
Identifiers: ClinVar variation 1463184 (VCV001463184.6), dbSNP rs2149400451, ClinGen allele CA364042461.